The following is an entry in ClinVar:

ClinVar aggregate classification (germline): Conflicting classifications of pathogenicity. Review status: criteria provided, conflicting classifications (1 of 4 stars). 3 submissions from 3 submitters: Uncertain significance (1); Likely benign (2). Last evaluated 2026-04-14.

Conditions:
Familial intrahepatic cholestasis. Identifiers: Orphanet 284385, MedGen CN296401, MONDO:0017290.
Progressive familial intrahepatic cholestasis type 1. Also called: BYLER DISEASE; Byler's disease; Severe ATP8B1 Deficiency (Progressive Familial Intrahepatic Cholestasis Type 1 [PFIC1]). Identifiers: Orphanet 79306, MedGen C4551898, MONDO:0008892, OMIM 211600.

Allele frequency attached by ClinVar (database versions not stated): gnomAD 0.00003 and 0.00004; gnomAD exomes 0.00003 and 0.00004; TOPMed 0.00004; ExAC 0.00006; ESP Exome Variant Server 0.00008.
gnomAD v4.1: 49 of 1,614,034 alleles (0.003%); highest among the groups gnomAD compares: Non-Finnish European, 0.0041%; no homozygotes.

Submissions (3):

Genomenon, Inc
Classification: Likely benign for Familial intrahepatic cholestasis. Last evaluated: 2026-04-14. Review status: criteria provided, single submitter. Criteria: Genomenon Sequence Variant Interpretation Standards - Updated. Collection method: curation. Allele origin: germline. Affected: no.
Comment: ATP8B1 c.1101C>A is a synonymous variant that retains Glycine at residue 367. This variant has been reported in the published literature (PMID:24260417). It is absent or not present at a significant frequency in gnomAD. This synonymous variant is not predicted to impact splicing. In conclusion, we classify ATP8B1 p.Gly367= (c.1101C>A) as a likely benign variant.

Labcorp Genetics (formerly Invitae), Labcorp
Classification: Likely benign. Last evaluated: 2024-03-03. Review status: criteria provided, single submitter. Criteria: Invitae Variant Classification Sherloc (09022015). Collection method: clinical testing. Allele origin: germline.

Illumina Laboratory Services, Illumina
Classification: Uncertain significance for Progressive familial intrahepatic cholestasis type 1. Last evaluated: 2017-04-27. Review status: criteria provided, single submitter. Criteria: ICSL Variant Classification Criteria 13 December 2019. Collection method: clinical testing. Allele origin: germline.
Comment: This variant was observed as part of a predisposition screen in an ostensibly healthy population. A literature search was performed for the gene, cDNA change, and amino acid change (where applicable). Publications were found based on this search. However, the evidence from the literature, in combination with allele frequency data from public databases where available, was not sufficient to rule this variant in or out of causing disease. Therefore, this variant is classified as a variant of unknown significance.

Literature cited by the submitters: PubMed 24260417 (cited by Genomenon, Inc and Illumina Laboratory Services, Illumina).

NM_001374385.1(ATP8B1):c.1101C>A (p.Gly367=)

Gene: ATP8B1 (ATPase phospholipid transporting 8B1; minus strand). Cytogenetic location: 18q21.31.
Variant type: single nucleotide variant.
Coding change: c.1101C>A on transcript NM_001374385.1 (MANE Select); coding-DNA position 1101, C replaced by A.
Protein change: p.Gly367=; no amino-acid change (glycine 367 retained).
Molecular consequence: synonymous variant.
Genome position (GRCh38, 1-based): chr18:57,691,926, G>T on the plus strand (C>A on the coding strand, the complement: ATP8B1 is on the minus strand). VCF-style: chr18-57691926-G-T. GRCh37 (hg19) VCF-style: chr18-55359158-G-T.
Other names: c.951C>A, p.Gly317= (NM_001374386.1); c.1101C>A, p.Gly367= (NM_005603.6).
Identifiers: ClinVar variation 892387 (VCV000892387.8), dbSNP rs35969033, ClinGen allele CA8974653.